The following is an entry in ClinVar:

NM_000368.5(TSC1):c.1432G>C (p.Glu478Gln)

Gene: TSC1 (TSC complex subunit 1; minus strand). Cytogenetic location: 9q34.13.
Variant type: single nucleotide variant.
Coding change: c.1432G>C on transcript NM_000368.5 (MANE Select); coding-DNA position 1432, G replaced by C.
Protein change: p.Glu478Gln; replaces glutamic acid 478 with glutamine.
Molecular consequence: missense variant.
Genome position (GRCh38, 1-based): chr9:132,906,737, C>G on the plus strand (G>C on the coding strand, the complement: TSC1 is on the minus strand). VCF-style: chr9-132906737-C-G. GRCh37 (hg19) VCF-style: chr9-135782124-C-G.
Other names: c.1429G>C, p.Glu477Gln (NM_001406604.1, NM_001406608.1, NM_001406609.1 and 6 more transcripts); c.1432G>C, p.Glu478Gln (NM_001406605.1, NM_001406606.1, NM_001406607.1 and 7 more transcripts); c.1279G>C, p.Glu427Gln (NM_001406610.1, NM_001162427.2); c.1276G>C, p.Glu426Gln (NM_001406611.1, NM_001406612.1, NM_001406613.1); c.1066G>C, p.Glu356Gln (NM_001406623.1, NM_001406625.1, NM_001406620.1 and 2 more transcripts); c.1069G>C, p.Glu357Gln (NM_001406624.1, NM_001362177.2, NM_001406614.1 and 5 more transcripts); c.481G>C, p.Glu161Gln (NM_001406626.1); c.478G>C, p.Glu160Gln (NM_001406627.1, NM_001406628.1); and 1 more; short protein forms E160Q, E161Q, E426Q, E357Q, E427Q, E127Q, E477Q, E478Q.
Identifiers: ClinVar variation 1772536 (VCV001772536.4), dbSNP rs1393065957, ClinGen allele CA375365763.
Genomic context (GRCh38, chr9:132,906,737, plus strand): 5'-ATAGCAGAGCGAGGGTCAGGTTTTATCAACTCATAGCAATCCCACATACATTACCTTCTT[C>G]TTTATCTTTTTCAATACTATCTTCTTCAGAGGCCAGATCACCTAAAAACCCTGGAAGATC-3'
Protein context (NP_000359.1, residues 468-488): SEEDSIEKDK[Glu478Gln]EAAISRELSE

ClinVar aggregate classification (germline): Uncertain significance. Review status: criteria provided, multiple submitters, no conflicts (2 of 4 stars). 2 submissions from 2 submitters: Uncertain significance (2). Last evaluated 2024-07-02.

Conditions:
Hereditary cancer-predisposing syndrome. Also called: Tumor predisposition; Neoplastic Syndromes, Hereditary; Hereditary Cancer Syndrome; Hereditary neoplastic syndrome. Identifiers: Orphanet 140162, MedGen C0027672, MeSH D009386, MONDO:0015356.
Tuberous sclerosis 1 (TSC1). Identifiers: Orphanet 805, MedGen C1854465, MONDO:0008612, OMIM 191100.

Submissions (2):

Labcorp Genetics (formerly Invitae), Labcorp
Classification: Uncertain significance for Tuberous sclerosis 1. Last evaluated: 2024-07-02. Review status: criteria provided, single submitter. Criteria: Invitae Variant Classification Sherloc (09022015). Collection method: clinical testing. Allele origin: germline.
Comment: This sequence change replaces glutamic acid, which is acidic and polar, with glutamine, which is neutral and polar, at codon 478 of the TSC1 protein (p.Glu478Gln). This variant is not present in population databases (gnomAD no frequency). This variant has not been reported in the literature in individuals affected with TSC1-related conditions. ClinVar contains an entry for this variant (Variation ID: 1772536). Advanced modeling of protein sequence and biophysical properties (such as structural, functional, and spatial information, amino acid conservation, physicochemical variation, residue mobility, and thermodynamic stability) performed at Invitae indicates that this missense variant is not expected to disrupt TSC1 protein function with a negative predictive value of 95%. In summary, the available evidence is currently insufficient to determine the role of this variant in disease. Therefore, it has been classified as a Variant of Uncertain Significance.

Ambry Genetics
Classification: Uncertain significance for Hereditary cancer-predisposing syndrome. Last evaluated: 2021-11-29. Review status: criteria provided, single submitter. Criteria: Ambry Variant Classification Scheme 2023. Collection method: clinical testing. Allele origin: germline.
Comment: The p.E478Q variant (also known as c.1432G>C), located in coding exon 12 of the TSC1 gene, results from a G to C substitution at nucleotide position 1432. The glutamic acid at codon 478 is replaced by glutamine, an amino acid with highly similar properties. This amino acid position is highly conserved in available vertebrate species. In addition, the in silico prediction for this alteration is inconclusive. Since supporting evidence is limited at this time, the clinical significance of this alteration remains unclear.